The following is an entry in ClinVar:

ClinVar aggregate classification (germline): Pathogenic/Likely pathogenic. Review status: criteria provided, multiple submitters, no conflicts (2 of 4 stars). 2 submissions from 2 submitters: Pathogenic (1); Likely pathogenic (1). Last evaluated 2023-10-10.

Conditions:
Lynch syndrome 4 (LYNCH4). Also called: Hereditary non-polyposis colorectal cancer, type 4; Colorectal cancer, hereditary nonpolyposis, type 4. Identifiers: Orphanet 144, MedGen C1838333, MONDO:0013699, OMIM 614337. Disease mechanism: loss of function.

Submissions (2):

Baylor Genetics
Classification: Likely pathogenic for Lynch syndrome 4. Last evaluated: 2023-10-10. Review status: criteria provided, single submitter. Criteria: ACMG Guidelines, 2015. Collection method: clinical testing. Allele origin: unknown.

Myriad Genetics, Inc.
Classification: Pathogenic for Lynch syndrome 4. Last evaluated: 2023-09-19. Review status: criteria provided, single submitter. Criteria: Myriad Autosomal Dominant, Autosomal Recessive and X-Linked Classification Criteria (2023). Collection method: clinical testing. Allele origin: unknown.
Comment: This variant is considered pathogenic. This variant creates a termination codon and is predicted to result in premature protein truncation.

NM_000535.7(PMS2):c.573C>A (p.Tyr191Ter)

Gene: PMS2 (PMS1 homolog 2, mismatch repair system component; minus strand). Cytogenetic location: 7p22.1.
Variant type: single nucleotide variant.
Coding change: c.573C>A on transcript NM_000535.7 (MANE Select); coding-DNA position 573, C replaced by A.
Protein change: p.Tyr191Ter; replaces tyrosine 191 with a stop codon.
Molecular consequence: nonsense. On other transcripts: non-coding transcript variant (1), intron variant (9).
Genome position (GRCh38, 1-based): chr7:5,999,240, G>T on the plus strand (C>A on the coding strand, the complement: PMS2 is on the minus strand). VCF-style: chr7-5999240-G-T. GRCh37 (hg19) VCF-style: chr7-6038871-G-T.
Other names: c.168C>A, p.Tyr56Ter (NM_001018040.1, NM_001322003.2, NM_001322004.2 and 22 more transcripts); c.573C>A, p.Tyr191Ter (NM_001322006.2, NM_001322014.2, NM_001406869.1 and 5 more transcripts); c.255C>A, p.Tyr85Ter (NM_001322007.2, NM_001322008.2, NM_001406876.1 and 4 more transcripts); c.264C>A, p.Tyr88Ter (NM_001322015.2, NM_001406875.1, NM_001406877.1 and 6 more transcripts); c.759C>A, p.Tyr253Ter (NM_001406866.1); c.597C>A, p.Tyr199Ter (NM_001406868.1); c.132+3213C>A (NM_001406911.1); c.133-1817C>A (NM_001322013.2, NM_001406909.1); and 4 more; short protein forms Y191*, Y199*, Y253*, Y56*, Y85*, Y88*.
Identifiers: ClinVar variation 2674227 (VCV002674227.2), dbSNP rs761134229, ClinGen allele CA366744063.
Genomic context (GRCh38, chr7:5,999,240, plus strand): 5'-TCGTTTTCCTTGTCCAAGCTGATTGGTGCAACTTACACGGATGCCTGCTGAAATGATACA[G>T]TATGCATGTAAGACCTGGACCATTTTGGCATACTCCTGTTTAAAAAACACAAACACAATA-3'